The following is an entry in ClinVar:

NM_004364.5(CEBPA):c.1019G>A (p.Gly340Asp)

Gene: CEBPA (CCAAT enhancer binding protein alpha; minus strand). Cytogenetic location: 19q13.11.
Variant type: single nucleotide variant.
Coding change: c.1019G>A on transcript NM_004364.5 (MANE Select); coding-DNA position 1019, G replaced by A.
Protein change: p.Gly340Asp; replaces glycine 340 with aspartic acid.
Molecular consequence: missense variant.
Genome position (GRCh38, 1-based): chr19:33,301,396, C>T on the plus strand (G>A on the coding strand, the complement: CEBPA is on the minus strand). VCF-style: chr19-33301396-C-T. GRCh37 (hg19) VCF-style: chr19-33792302-C-T.
Other names: c.662G>A, p.Gly221Asp (NM_001285829.2); c.1124G>A, p.Gly375Asp (NM_001287424.2); c.977G>A, p.Gly326Asp (NM_001287435.2); short protein forms G340D, G221D, G375D, G326D.
Identifiers: ClinVar variation 849028 (VCV000849028.10), dbSNP rs1410617603, ClinGen allele CA405273712.

ClinVar aggregate classification (germline): Uncertain significance (1 of 4 stars; one submission).

Conditions:
Acute myeloid leukemia (AML). Also called: Acute myeloid leukemia, adult; AML adult; Acute non-lymphocytic leukemia; Acute granulocytic leukemia; Leukemia, acute myeloid, somatic; Leukemia, acute myelogenous, somatic. Identifiers: Orphanet 519, MedGen C0023467, MeSH D015470, MONDO:0018874, OMIM 601626, HP:0004808. Disease mechanism: Constitutively activated FLT3.

Allele frequency attached by ClinVar (database versions not stated): gnomAD 0.00001.

Submission:

Labcorp Genetics (formerly Invitae), Labcorp
Classification: Uncertain significance for Acute myeloid leukemia. Last evaluated: 2019-04-07. Review status: criteria provided, single submitter. Criteria: Invitae Variant Classification Sherloc (09022015). Collection method: clinical testing. Allele origin: germline.
Comment: In summary, the available evidence is currently insufficient to determine the role of this variant in disease. Therefore, it has been classified as a Variant of Uncertain Significance. Algorithms developed to predict the effect of missense changes on protein structure and function output the following: SIFT: "Tolerated"; PolyPhen-2: "Probably Damaging"; Align-GVGD: "Class C0". The aspartic acid amino acid residue is found in multiple mammalian species, suggesting that this missense change does not adversely affect protein function. These predictions have not been confirmed by published functional studies and their clinical significance is uncertain. This variant has been observed in an individual affected with familial myeloid leukemia (PMID: 23926458). This variant is not present in population databases (ExAC no frequency). This sequence change replaces glycine with aspartic acid at codon 340 of the CEBPA protein (p.Gly340Asp). The glycine residue is highly conserved and there is a moderate physicochemical difference between glycine and aspartic acid.

Literature cited by the submitters: PubMed 23926458.